The following is an entry in ClinVar:

NM_025009.5(CEP135):c.2806A>G (p.Ile936Val)

Gene: CEP135 (centrosomal protein 135; plus strand). Cytogenetic location: 4q12.
Variant type: single nucleotide variant.
Coding change: c.2806A>G on transcript NM_025009.5 (MANE Select); coding-DNA position 2806, A replaced by G.
Protein change: p.Ile936Val; replaces isoleucine 936 with valine.
Molecular consequence: missense variant.
Genome position (GRCh38, 1-based): chr4:56,017,651, A>G. VCF-style: chr4-56017651-A-G. GRCh37 (hg19) VCF-style: chr4-56883817-A-G.
Other names: c.2806A>G (NM_025009.4); short protein forms I936V.
Identifiers: ClinVar variation 434724 (VCV000434724.16), dbSNP rs139474852, ClinGen allele CA2928263.
Genomic context (GRCh38, chr4:56,017,651, plus strand): 5'-GTTCTTAAAATTATTGGGTTATTTTAACTTTTTACTTGTTTCTTTTTCTTTTTTCAGCAC[A>G]TAAATGCCCATCATGCTTATGAATCTCAGATCTCATCAATGGCAAAAGCCATGTCTCGAT-3'
Protein context (NP_079285.2, residues 926-946): ELLEKEIQEH[Ile936Val]NAHHAYESQI

ClinVar aggregate classification (germline): Conflicting classifications of pathogenicity. Review status: criteria provided, conflicting classifications (1 of 4 stars). 4 submissions from 4 submitters: Uncertain significance (1); Likely benign (2). 1 of the submissions does not count toward it. Last evaluated 2025-12-17.

Conditions:
CEP135-related disorder. Also called: CEP135-related condition.
Inborn genetic diseases. Identifiers: MedGen C0950123, MeSH D030342.

Allele frequency attached by ClinVar (database versions not stated): ExAC 0.00017; gnomAD exomes 0.00019; ESP Exome Variant Server 0.00054; gnomAD 0.00066 and 0.00076; TOPMed 0.00081.
gnomAD v4.1: 204 of 1,591,112 alleles (0.013%); highest among the groups gnomAD compares: African/African-American, 0.24%; 1 homozygote.

Submissions (4):

Labcorp Genetics (formerly Invitae), Labcorp
Classification: Likely benign. Last evaluated: 2025-12-17. Review status: criteria provided, single submitter. Criteria: Invitae Variant Classification Sherloc (09022015). Collection method: clinical testing. Allele origin: germline.

Ambry Genetics
Classification: Likely benign for Inborn genetic diseases. Last evaluated: 2022-09-27. Review status: criteria provided, single submitter. Criteria: Ambry Variant Classification Scheme 2023. Collection method: clinical testing. Allele origin: germline.

Genetic Services Laboratory, University of Chicago
Classification: Uncertain significance. Last evaluated: 2015-11-19. Review status: criteria provided, single submitter. Criteria: ACMG Guidelines, 2015. Collection method: clinical testing. Allele origin: germline. Affected: no.

PreventionGenetics, part of Exact Sciences
Classification: Likely benign for CEP135-related condition. Last evaluated: 2023-06-05. Review status: no assertion criteria provided. Collection method: clinical testing. Allele origin: germline. Not counted in ClinVar's aggregate classification.
Comment: This variant is classified as likely benign based on ACMG/AMP sequence variant interpretation guidelines (Richards et al. 2015 PMID: 25741868, with internal and published modifications).